The following is an entry in ClinVar:

NM_000138.5(FBN1):c.4125C>T (p.Ser1375=)

Gene: FBN1 (fibrillin 1; minus strand). Cytogenetic location: 15q21.1.
Variant type: single nucleotide variant.
Coding change: c.4125C>T on transcript NM_000138.5 (MANE Select); coding-DNA position 4125, C replaced by T.
Protein change: p.Ser1375=; no amino-acid change (serine 1375 retained).
Molecular consequence: synonymous variant.
Genome position (GRCh38, 1-based): chr15:48,474,340, G>A on the plus strand (C>T on the coding strand, the complement: FBN1 is on the minus strand). VCF-style: chr15-48474340-G-A. GRCh37 (hg19) VCF-style: chr15-48766537-G-A.
Other names: c.4125C>T, p.Ser1375= (NM_001406716.1).
Identifiers: ClinVar variation 3386804 (VCV003386804.1).

ClinVar aggregate classification (germline): Likely benign (1 of 4 stars; one submission).

Conditions:
Marfan syndrome (MFS). Also called: MARFAN SYNDROME, TYPE I; Marfan syndrome type 1; Marfan's syndrome; FBN1-Related Marfan Syndrome; Marfan syndrome, classic. Identifiers: Orphanet 284963, Orphanet 558, MedGen C0024796, MONDO:0007947, OMIM 154700.

Submission:

All of Us Research Program, National Institutes of Health
Classification: Likely benign for Marfan syndrome. Last evaluated: 2024-05-14. Review status: criteria provided, single submitter. Criteria: ACMG Guidelines, 2015. Collection method: clinical testing. Allele origin: germline. Inheritance: Autosomal dominant inheritance. Observed: 1 variant allele, 1 heterozygote.
Comment: This study involves interpretation of variants in research participants for the purpose of population health screening. Participant phenotype was not available at the time of variant classification. Additional details can be found in publication PMID: 35346344, PMCID: PMC8962531